The following is an entry in ClinVar:

ClinVar aggregate classification (germline): Benign/Likely benign. Review status: criteria provided, multiple submitters, no conflicts (2 of 4 stars). 2 submissions from 2 submitters: Benign (1); Likely benign (1). Last evaluated 2026-08-18.

Conditions:
Hereditary cancer-predisposing syndrome. Also called: Hereditary neoplastic syndrome; Neoplastic Syndromes, Hereditary; Tumor predisposition; Hereditary Cancer Syndrome. Identifiers: Orphanet 140162, MedGen C0027672, MeSH D009386, MONDO:0015356.
DICER1-related tumor predisposition. Also called: DICER1-related pleuropulmonary blastoma cancer predisposition syndrome; DICER1 syndrome. Identifiers: Orphanet 284343, MedGen C3839822, MONDO:0100216.

Submissions (2):

Myriad Genetics, Inc.
Classification: Benign for DICER1-related tumor predisposition. Last evaluated: 2026-08-18. Review status: criteria provided, single submitter. Criteria: Myriad Autosomal Dominant, Autosomal Recessive and X-Linked Classification Criteria (2023). Collection method: clinical testing. Allele origin: unknown.
Comment: This variant is considered benign. This variant is a silent/synonymous amino acid change and it is not expected to impact splicing.

Ambry Genetics
Classification: Likely benign for Hereditary cancer-predisposing syndrome. Last evaluated: 2022-03-04. Review status: criteria provided, single submitter. Criteria: Ambry Variant Classification Scheme 2023. Collection method: clinical testing. Allele origin: germline.

NM_177438.3(DICER1):c.2463C>G (p.Arg821=)

Gene: DICER1 (dicer 1, ribonuclease III; minus strand). Cytogenetic location: 14q32.13.
Variant type: single nucleotide variant.
Coding change: c.2463C>G on transcript NM_177438.3 (MANE Select); coding-DNA position 2463, C replaced by G.
Protein change: p.Arg821=; no amino-acid change (arginine 821 retained).
Molecular consequence: synonymous variant. On other transcripts: non-coding transcript variant (6).
Genome position (GRCh38, 1-based): chr14:95,108,067, G>C on the plus strand (C>G on the coding strand, the complement: DICER1 is on the minus strand). VCF-style: chr14-95108067-G-C. GRCh37 (hg19) VCF-style: chr14-95574404-G-C.
Other names: c.2463C>G, p.Arg821= (NM_001195573.1, NM_001271282.3, NM_001291628.2 and 13 more transcripts); c.2181C>G, p.Arg727= (NM_001395686.1); c.2058C>G, p.Arg686= (NM_001395687.1, NM_001395688.1, NM_001395689.1 and 2 more transcripts); c.1896C>G, p.Arg632= (NM_001395691.1); c.780C>G, p.Arg260= (NM_001395697.1).
Identifiers: ClinVar variation 1791660 (VCV001791660.3), dbSNP rs1595380787, ClinGen allele CA487844920.